The following is an entry in ClinVar:

ClinVar aggregate classification (germline): Uncertain significance (1 of 4 stars; one submission).

Conditions:
Inborn genetic diseases. Identifiers: MedGen C0950123, MeSH D030342.

gnomAD v4.1: 55 of 1,611,488 alleles (0.0034%); highest among the groups gnomAD compares: Middle Eastern, 0.017%; no homozygotes.

Submission:

Ambry Genetics
Classification: Uncertain significance for Inborn genetic diseases. Last evaluated: 2026-01-22. Review status: criteria provided, single submitter. Criteria: Ambry Variant Classification Scheme 2023. Collection method: clinical testing. Allele origin: germline.
Comment: The c.1956+6C>T intronic alteration consists of a C to T substitution 6 nucleotides after exon 11 (coding exon 11) in the GLI2 gene. Based on data from gnomAD, the T allele has an overall frequency of 0.001% (3/241304) total alleles studied. The highest observed frequency was 0.007% (1/14622) of African alleles. Based on insufficient or conflicting evidence, the clinical significance of this alteration remains unclear.

NM_001374353.1(GLI2):c.1905+6C>T

Gene: GLI2 (GLI family zinc finger 2; plus strand). Cytogenetic location: 2q14.2.
Variant type: single nucleotide variant.
Coding change: c.1905+6C>T on transcript NM_001374353.1 (MANE Select); 6 bases into the intron after coding-DNA position 1905, C replaced by T.
Molecular consequence: intron variant.
Genome position (GRCh38, 1-based): chr2:120,984,749, C>T. VCF-style: chr2-120984749-C-T. GRCh37 (hg19) VCF-style: chr2-121742325-C-T.
Other names: c.1956+6C>T (NM_001371271.1, NM_005270.5); c.1530+6C>T (NM_001374354.1).
Identifiers: ClinVar variation 4832769 (VCV004832769.1).